The following is an entry in ClinVar:

ClinVar aggregate classification (germline): Uncertain significance (1 of 4 stars; one submission).

Conditions:
Irido-corneo-trabecular dysgenesis (ASGD5). Also called: ANTERIOR SEGMENT DYSGENESIS 5. Identifiers: Orphanet 708, MedGen C0344559, MONDO:0011414, OMIM 604229, HP:0000659.
Aniridia 1 (AN1). Identifiers: Orphanet 250923, MedGen C0344542, MONDO:0024507, OMIM 106210.

Allele frequency attached by ClinVar (database versions not stated): gnomAD exomes 0.00001; ExAC 0.00002; gnomAD 0.00002; TOPMed 0.00003; ESP Exome Variant Server 0.00008.

Submission:

Labcorp Genetics (formerly Invitae), Labcorp
Classification: Uncertain significance for Aniridia 1; Irido-corneo-trabecular dysgenesis. Last evaluated: 2024-01-15. Review status: criteria provided, single submitter. Criteria: Invitae Variant Classification Sherloc (09022015). Collection method: clinical testing. Allele origin: germline.
Comment: This sequence change replaces threonine, which is neutral and polar, with serine, which is neutral and polar, at codon 166 of the PAX6 protein (p.Thr166Ser). This variant is present in population databases (rs141021880, gnomAD 0.003%). This variant has not been reported in the literature in individuals affected with PAX6-related conditions. ClinVar contains an entry for this variant (Variation ID: 1518575). Advanced modeling of protein sequence and biophysical properties (such as structural, functional, and spatial information, amino acid conservation, physicochemical variation, residue mobility, and thermodynamic stability) performed at Invitae indicates that this missense variant is not expected to disrupt PAX6 protein function with a negative predictive value of 80%. In summary, the available evidence is currently insufficient to determine the role of this variant in disease. Therefore, it has been classified as a Variant of Uncertain Significance.

NM_001368894.2(PAX6):c.538A>T (p.Thr180Ser)

Gene: PAX6 (paired box 6; minus strand). Cytogenetic location: 11p13.
Variant type: single nucleotide variant.
Coding change: c.538A>T on transcript NM_001368894.2 (MANE Select); coding-DNA position 538, A replaced by T.
Protein change: p.Thr180Ser; replaces threonine 180 with serine.
Molecular consequence: missense variant. On other transcripts: non-coding transcript variant (2).
Genome position (GRCh38, 1-based): chr11:31,800,718, T>A on the plus strand (A>T on the coding strand, the complement: PAX6 is on the minus strand). VCF-style: chr11-31800718-T-A. GRCh37 (hg19) VCF-style: chr11-31822266-T-A.
Other names: c.496A>T, p.Thr166Ser (NM_000280.6, NM_001127612.3, NM_001258464.2 and 10 more transcripts); c.538A>T, p.Thr180Ser (NM_001258462.3, NM_001258463.2, NM_001310158.2 and 6 more transcripts); c.88A>T, p.Thr30Ser (NM_001310160.2, NM_001310161.3, NM_001368899.2 and 11 more transcripts); c.739A>T, p.Thr247Ser (NM_001368910.2); c.541A>T, p.Thr181Ser (NM_001368911.2); c.613A>T, p.Thr205Ser (NM_001368918.2, NM_001368919.2); c.571A>T, p.Thr191Ser (NM_001368920.2); c.337A>T, p.Thr113Ser (NM_001368921.2, NM_001368922.2, NM_001368923.2 and 4 more transcripts); and 1 more; short protein forms T247S, T30S, T180S, T181S, T191S, T205S, T99S, T113S.
Identifiers: ClinVar variation 1518575 (VCV001518575.6), dbSNP rs141021880, ClinGen allele CA5933867.